The following is an entry in ClinVar:

ClinVar aggregate classification (germline): Pathogenic (1 of 4 stars; one submission).

Submission:

Labcorp Genetics (formerly Invitae), Labcorp
Classification: Pathogenic. Last evaluated: 2022-11-01. Review status: criteria provided, single submitter. Criteria: Invitae Variant Classification Sherloc (09022015). Collection method: clinical testing. Allele origin: germline.
Comment: This sequence change creates a premature translational stop signal (p.Arg2031*) in the RP1 gene. While this is not anticipated to result in nonsense mediated decay, it is expected to disrupt the last 126 amino acid(s) of the RP1 protein. Information on the frequency of this variant in the gnomAD database is not available, as this variant may be reported differently in the database. This variant has not been reported in the literature in individuals affected with RP1-related conditions. ClinVar contains an entry for this variant (Variation ID: 843617). This variant disrupts the C-terminus of the RP1 protein. Many variants that disrupt this region have been reported in individuals with either autosomal dominant or autosomal recessive retinitis pigmentosa (PMID: 11527933, 19933189, 29425069, 30027431, 33681214). Therefore, variants that disrupt this region are expected to be disease-causing. For these reasons, this variant has been classified as Pathogenic.

Literature cited by the submitters: PubMed 11527933; PubMed 19933189; PubMed 29425069; PubMed 30027431; PubMed 33681214.

NM_006269.2(RP1):c.6091_6092delinsTA (p.Arg2031Ter)

Gene: RP1 (RP1 axonemal microtubule associated; plus strand). Cytogenetic location: 8q12.1.
Variant type: Indel.
Coding change: c.6091_6092delinsTA on transcript NM_006269.2 (MANE Select); coding-DNA positions 6091 to 6092, AG replaced by TA.
Protein change: p.Arg2031Ter; replaces arginine 2031 with a stop codon.
Molecular consequence: nonsense. On other transcripts: intron variant (1).
Genome position (GRCh38, 1-based): chr8:54,629,973-54,629,974, AG replaced by TA. VCF-style: chr8-54629973-AG-TA. GRCh37 (hg19) VCF-style: chr8-55542533-AG-TA.
Other names: c.787+7685_787+7686delinsTA (NM_001375654.1); short protein forms R2031*.
Identifiers: ClinVar variation 843617 (VCV000843617.11), dbSNP rs1806205612, ClinGen allele CA916082995.
Genomic context (GRCh38, chr8:54,629,973, plus strand): 5'-AACTTCTTGGGGTTAGAGGAAGAAGGTAATTTAAAGAAATTTCAACCAGATTTGAAGGAA[AG>TA]GTTTTGTATGAATTTCTTGCACACATCATTGTTAGTTGTGGGTAATGTGGATTCAAATAC-3'